The following is an entry in ClinVar:

NM_001304548.2(CFAP47):c.6114G>A (p.Met2038Ile)

Gene: CFAP47 (cilia and flagella associated protein 47; plus strand). Cytogenetic location: Xp21.1.
Variant type: single nucleotide variant.
Coding change: c.6114G>A on transcript NM_001304548.2 (MANE Select); coding-DNA position 6114, G replaced by A.
Protein change: p.Met2038Ile; replaces methionine 2038 with isoleucine.
Molecular consequence: missense variant.
Genome position (GRCh38, 1-based): chrX:36,188,629, G>A. VCF-style: chrX-36188629-G-A. GRCh37 (hg19) VCF-style: chrX-36206746-G-A.
Other names: short protein forms M2038I.
Identifiers: ClinVar variation 5007553 (VCV005007553.2).

ClinVar aggregate classification (germline): Uncertain significance (1 of 4 stars; one submission).

Conditions:
Spermatogenic failure, X-linked, 3. Identifiers: MedGen C5542347, MONDO:0025354, OMIM 301059.

gnomAD v4.1: 8 of 295,685 alleles (0.0027%); highest among the groups gnomAD compares: East Asian, 0.024%; no homozygotes.

Submission:

Juno Genomics, Hangzhou Juno Genomics, Inc
Classification: Uncertain significance for Spermatogenic failure, X-linked, 3. Review status: criteria provided, single submitter. Criteria: ACMG Guidelines, 2015. Collection method: clinical testing. Allele origin: germline.
Comment: Absent from controls (or at extremely low frequency if recessive) in Genome Aggregation Database.